The following is an entry in ClinVar:

NM_020436.5(SALL4):c.2461+6A>G

Gene: SALL4 (spalt like transcription factor 4; minus strand). Cytogenetic location: 20q13.2.
Variant type: single nucleotide variant.
Coding change: c.2461+6A>G on transcript NM_020436.5 (MANE Select); 6 bases into the intron after coding-DNA position 2461, A replaced by G.
Molecular consequence: intron variant.
Genome position (GRCh38, 1-based): chr20:51,790,016, T>C on the plus strand (A>G on the coding strand, the complement: SALL4 is on the minus strand). VCF-style: chr20-51790016-T-C. GRCh37 (hg19) VCF-style: chr20-50406555-T-C.
Other names: c.1151-875A>G (NM_001318031.2).
Identifiers: ClinVar variation 3043757 (VCV003043757.2), dbSNP rs778426972, ClinGen allele CA9912092.

ClinVar aggregate classification (germline): Likely benign (0 of 4 stars; one submission).

Conditions:
SALL4-Related Disorders. Also called: SALL4-related disorder; SALL4-related condition. Identifiers: MedGen CN381056.

Allele frequency attached by ClinVar (database versions not stated): gnomAD 0.00001; gnomAD exomes 0.00001; ExAC 0.00003; TOPMed below 0.00001.
gnomAD v4.1: 22 of 1,614,030 alleles (0.0014%); highest among the groups gnomAD compares: Non-Finnish European, 0.0018%; no homozygotes.

Submission:

PreventionGenetics, part of Exact Sciences
Classification: Likely benign for SALL4-related condition. Last evaluated: 2023-07-26. Review status: no assertion criteria provided. Collection method: clinical testing. Allele origin: germline.
Comment: This variant is classified as likely benign based on ACMG/AMP sequence variant interpretation guidelines (Richards et al. 2015 PMID: 25741868, with internal and published modifications).